The following is an entry in ClinVar:

ClinVar aggregate classification (germline): Pathogenic (1 of 4 stars; one submission).

Allele frequency attached by ClinVar (database versions not stated): gnomAD 0.00001; TOPMed 0.00001.
gnomAD v4.1: 1 of 1,610,106 alleles (0.000062%); highest among the groups gnomAD compares: African/African-American, 0.0013%; no homozygotes.

Submission:

Labcorp Genetics (formerly Invitae), Labcorp
Classification: Pathogenic. Last evaluated: 2022-06-03. Review status: criteria provided, single submitter. Criteria: Invitae Variant Classification Sherloc (09022015). Collection method: clinical testing. Allele origin: germline.
Comment: This sequence change creates a premature translational stop signal (p.Trp74*) in the ATF6 gene. It is expected to result in an absent or disrupted protein product. Loss-of-function variants in ATF6 are known to be pathogenic (PMID: 26029869, 26063662, 26070061). This variant is not present in population databases (gnomAD no frequency). This variant has not been reported in the literature in individuals affected with ATF6-related conditions. For these reasons, this variant has been classified as Pathogenic.

Literature cited by the submitters: PubMed 26029869; PubMed 26063662; PubMed 26070061.

NM_007348.4(ATF6):c.222G>A (p.Trp74Ter)

Gene: ATF6 (activating transcription factor 6; plus strand). Cytogenetic location: 1q23.3.
Variant type: single nucleotide variant.
Coding change: c.222G>A on transcript NM_007348.4 (MANE Select); coding-DNA position 222, G replaced by A.
Protein change: p.Trp74Ter; replaces tryptophan 74 with a stop codon.
Molecular consequence: nonsense.
Genome position (GRCh38, 1-based): chr1:161,781,974, G>A. VCF-style: chr1-161781974-G-A. GRCh37 (hg19) VCF-style: chr1-161751764-G-A.
Other names: c.222G>A, p.Trp74Ter (NM_001410890.1); short protein forms W74*.
Identifiers: ClinVar variation 2002232 (VCV002002232.4), dbSNP rs1005962230, ClinGen allele CA31726558.
Genomic context (GRCh38, chr1:161,781,974, plus strand): 5'-AAACAATTTTGATAATCTTGATTTTGATTTGGATTTGATGCCTTGGGAGTCAGACATTTG[G>A]GACATCAACAACCAAATCTGTACAGGTAATTATGTGTTTCACTGGTAAAAGTTTTAAAAA-3'